The following is an entry in ClinVar:

NM_018125.4(ARHGEF10L):c.309G>A (p.Gly103=)

Gene: ARHGEF10L (Rho guanine nucleotide exchange factor 10 like; plus strand). Cytogenetic location: 1p36.13.
Variant type: single nucleotide variant.
Coding change: c.309G>A on transcript NM_018125.4 (MANE Select); coding-DNA position 309, G replaced by A.
Protein change: p.Gly103=; no amino-acid change (glycine 103 retained).
Molecular consequence: synonymous variant. On other transcripts: non-coding transcript variant (2).
Genome position (GRCh38, 1-based): chr1:17,602,178, G>A. VCF-style: chr1-17602178-G-A. GRCh37 (hg19) VCF-style: chr1-17928673-G-A.
Other names: c.309G>A, p.Gly103= (NM_001011722.2, NM_001319837.2, NM_001438939.1 and 6 more transcripts).
Identifiers: ClinVar variation 5040217 (VCV005040217.1).

ClinVar aggregate classification (germline): Likely benign (1 of 4 stars; one submission).

Submission:

CeGaT Center for Human Genetics Tuebingen
Classification: Likely benign. Last evaluated: 2026-07-01. Review status: criteria provided, single submitter. Criteria: CeGaT Center For Human Genetics Tuebingen Variant Classification Criteria Version 2. Collection method: clinical testing. Allele origin: germline. Affected: yes. Observed: 1 variant allele.
Comment: ARHGEF10L: PM2:Supporting, BP4, BP7